The following is an entry in ClinVar:

ClinVar aggregate classification (germline): Likely benign. Review status: criteria provided, multiple submitters, no conflicts (2 of 4 stars). 2 submissions from 2 submitters: Likely benign (2). Last evaluated 2026-08-01.

Allele frequency attached by ClinVar (database versions not stated): ExAC 0.00018.

Submissions (2):

CeGaT Center for Human Genetics Tuebingen
Classification: Likely benign. Last evaluated: 2026-08-01. Review status: criteria provided, single submitter. Criteria: CeGaT Center For Human Genetics Tuebingen Variant Classification Criteria Version 2. Collection method: clinical testing. Allele origin: germline. Affected: yes. Observed: 9 variant alleles.
Comment: DSPP: BP4, BP7

Laboratory of Genetics, Children's Clinical University Hospital Latvia
Classification: Likely benign. Last evaluated: 2025-02-16. Review status: criteria provided, single submitter. Criteria: ACMG Guidelines, 2015. Collection method: clinical testing. Allele origin: germline. Affected: yes.

NM_014208.3(DSPP):c.3348C>T (p.Asp1116=)

Genes: DMP1-AS1 (DMP1 and DSPP antisense RNA 1; minus strand), DSPP (dentin sialophosphoprotein; plus strand). Cytogenetic location: 4q22.1.
Variant type: single nucleotide variant.
Coding change: c.3348C>T on transcript NM_014208.3 (MANE Select); coding-DNA position 3348, C replaced by T.
Protein change: p.Asp1116=; no amino-acid change (aspartic acid 1116 retained).
Molecular consequence: synonymous variant.
Genome position (GRCh38, 1-based): chr4:87,616,010, C>T. VCF-style: chr4-87616010-C-T. GRCh37 (hg19) VCF-style: chr4-88537162-C-T.
Identifiers: ClinVar variation 2654909 (VCV002654909.25), dbSNP rs200745922, ClinGen allele CA3001616.